The following is an entry in ClinVar:

NM_001370.2(DNAH6):c.752T>G (p.Phe251Cys)

Gene: DNAH6 (dynein axonemal heavy chain 6; plus strand). Cytogenetic location: 2p11.2.
Variant type: single nucleotide variant.
Coding change: c.752T>G on transcript NM_001370.2 (MANE Select); coding-DNA position 752, T replaced by G.
Protein change: p.Phe251Cys; replaces phenylalanine 251 with cysteine.
Molecular consequence: missense variant.
Genome position (GRCh38, 1-based): chr2:84,544,322, T>G. VCF-style: chr2-84544322-T-G. GRCh37 (hg19) VCF-style: chr2-84771446-T-G.
Other names: short protein forms F251C.
Identifiers: ClinVar variation 3030445 (VCV003030445.2), dbSNP rs891673034, ClinGen allele CA51641251.

ClinVar aggregate classification (germline): Uncertain significance (0 of 4 stars; one submission).

Conditions:
DNAH6-related disorder. Also called: DNAH6-related condition.

Allele frequency attached by ClinVar (database versions not stated): gnomAD exomes 0.00001; gnomAD 0.00007; TOPMed 0.00011.
gnomAD v4.1: 26 of 1,539,138 alleles (0.0017%); highest among the groups gnomAD compares: African/African-American, 0.034%; no homozygotes.

Submission:

PreventionGenetics, part of Exact Sciences
Classification: Uncertain significance for DNAH6-related condition. Last evaluated: 2024-01-17. Review status: no assertion criteria provided. Collection method: clinical testing. Allele origin: germline.
Comment: The DNAH6 c.752T>G variant is predicted to result in the amino acid substitution p.Phe251Cys. To our knowledge, this variant has not been reported in the literature. This variant is reported in 0.042% of alleles in individuals of African descent in gnomAD. At this time, the clinical significance of this variant is uncertain due to the absence of conclusive functional and genetic evidence.